The following is an entry in ClinVar:

NM_000020.3(ACVRL1):c.*2380C>G

Gene: ACVRL1 (activin A receptor like type 1; plus strand). Cytogenetic location: 12q13.13.
Variant type: single nucleotide variant.
Coding change: c.*2380C>G on transcript NM_000020.3 (MANE Select); 2380 bases downstream of the stop codon, C replaced by G.
Molecular consequence: 3 prime UTR variant.
Genome position (GRCh38, 1-based): chr12:51,923,273, C>G. VCF-style: chr12-51923273-C-G. GRCh37 (hg19) VCF-style: chr12-52317057-C-G.
Other names: c.*2380C>G (NM_001077401.2).
Identifiers: ClinVar variation 309483 (VCV000309483.6), dbSNP rs2293093, ClinGen allele CA10633169.

ClinVar aggregate classification (germline): Benign. Review status: criteria provided, multiple submitters, no conflicts (2 of 4 stars). 2 submissions from 2 submitters: Benign (2). Last evaluated 2018-01-13.

Conditions:
Telangiectasia, hereditary hemorrhagic, type 2 (HHT2). Also called: ACVRL1-Related Hereditary Hemorrhagic Telangiectasia; Telangiectasia, hereditary hemorrhagic, type II. Identifiers: Orphanet 774, MedGen C1838163, MONDO:0010880, OMIM 600376. Disease mechanism: loss of function.

Allele frequency attached by ClinVar (database versions not stated): TOPMed 0.08445; gnomAD 0.08542 and 0.09111; gnomAD exomes 0.12295; 1000 Genomes Project 30x 0.12617; 1000 Genomes Project 0.13099.
gnomAD v4.1: 13,920 of 152,398 alleles (9.1%); highest among the groups gnomAD compares: East Asian, 36%; 994 homozygotes.

Submissions (2):

Illumina Laboratory Services, Illumina
Classification: Benign for Telangiectasia, hereditary hemorrhagic, type 2. Last evaluated: 2018-01-13. Review status: criteria provided, single submitter. Criteria: ICSL Variant Classification Criteria 13 December 2019. Collection method: clinical testing. Allele origin: germline.
Comment: This variant was observed in the ICSL laboratory as part of a predisposition screen in an ostensibly healthy population. It had not been previously curated by ICSL or reported in the Human Gene Mutation Database (HGMD: prior to June 1st, 2018), and was therefore a candidate for classification through an automated scoring system. Utilizing variant allele frequency, disease prevalence and penetrance estimates, and inheritance mode, an automated score was calculated to assess if this variant is too frequent to cause the disease. Based on the score and internal cut-off values, a variant classified as benign is not then subjected to further curation. The score for this variant resulted in a classification of benign for this disease.

Breakthrough Genomics
Classification: Benign. Review status: criteria provided, single submitter. Criteria: ACMG Guidelines, 2015. Collection method: not provided. Allele origin: germline. Inheritance: Autosomal dominant inheritance. Affected: yes.